The following is an entry in ClinVar:

ClinVar aggregate classification (germline): Likely pathogenic (1 of 4 stars; one submission).

Conditions:
Autosomal recessive limb-girdle muscular dystrophy type 2J (LGMDR10). Also called: Limb-girdle muscular dystrophy, type 2J; MUSCULAR DYSTROPHY, LIMB-GIRDLE, AUTOSOMAL RECESSIVE 10. Identifiers: Orphanet 140922, MedGen C1837342, MONDO:0012127, OMIM 608807.
Dilated cardiomyopathy 1G (CMD1G). Identifiers: Orphanet 154, MedGen C1858763, MONDO:0011400, OMIM 604145.

Submission:

Labcorp Genetics (formerly Invitae), Labcorp
Classification: Likely pathogenic for Dilated cardiomyopathy 1G; Autosomal recessive limb-girdle muscular dystrophy type 2J. Last evaluated: 2025-12-15. Review status: criteria provided, single submitter. Criteria: Invitae Variant Classification Sherloc (09022015). Collection method: clinical testing. Allele origin: germline.
Comment: This sequence change creates a premature translational stop signal (p.Arg34367Glyfs*28) in the TTN gene. While this is not anticipated to result in nonsense mediated decay, it is expected to create a truncated TTN protein. This variant is not present in population databases (gnomAD no frequency). This variant has not been reported in the literature in individuals affected with TTN-related conditions. This variant is located in the M band of TTN (PMID: 25589632). Truncating variants in this region have been previously reported in individuals affected with autosomal dominant or autosomal recessive myopathy and muscular dystrophy (PMID: 18948003, 23975875, 24395473). Truncating variants in this region have also been identified in individuals affected with autosomal dominant dilated cardiomyopathy and/or cardio-related conditions (PMID: 27869827, 32964742, internal data). In summary, the currently available evidence indicates that the variant is pathogenic, but additional data are needed to prove that conclusively. Therefore, this variant has been classified as Likely Pathogenic.

Literature cited by the submitters: PubMed 25589632; PubMed 18948003; PubMed 23975875; PubMed 24395473; PubMed 27869827; PubMed 32964742.

NM_001267550.2(TTN):c.103099del (p.Arg34367fs)

Genes: TTN-AS1 (TTN antisense RNA 1; plus strand), TTN (titin; minus strand). Cytogenetic location: 2q31.2.
Variant type: Deletion.
Coding change: c.103099del on transcript NM_001267550.2 (MANE Select); coding-DNA position 103099, one base deleted (A; older notation c.103099delA).
Protein change: p.Arg34367fs; shifts the reading frame from arginine 34367.
Molecular consequence: frameshift variant.
Genome position (GRCh38, 1-based): chr2:178,533,516, T deleted on the plus strand (A on the coding strand, the reverse complement: TTN is on the minus strand); the first of 4 consecutive T bases (chr2:178,533,516-178,533,519); deleting any one gives the same sequence. VCF-style (leftmost placement, unchanged base first): chr2-178533515-CT-C. GRCh37 (hg19) VCF-style: chr2-179398242-CT-C.
Other names: c.98176del, p.Arg32726fs (NM_001256850.1); c.75904del, p.Arg25302fs (NM_003319.4); c.95395del, p.Arg31799fs (NM_133378.4); c.76279del, p.Arg25427fs (NM_133432.3); c.76480del, p.Arg25494fs (NM_133437.4); short protein forms R34367fs, R31799fs, R32726fs, R25302fs, R25427fs, R25494fs.
Identifiers: ClinVar variation 4787026 (VCV004787026.1).